The following is an entry in ClinVar:

ClinVar aggregate classification (germline): Uncertain significance. Review status: criteria provided, multiple submitters, no conflicts (2 of 4 stars). 6 submissions from 6 submitters: Uncertain significance (5). 1 of the submissions does not count toward it. Last evaluated 2025-12-01.

Conditions:
Glycogen storage disease, type II (IOPD). Also called: CARDIOMEGALIA GLYCOGENICA DIFFUSA; Glycogen storage disease type 2; Acid maltase deficiency disease; Aglucosidase alfa; Deficiency of alpha-glucosidase; Deficiency of lysosomal alpha-glucosidase. Identifiers: Orphanet 365, MedGen C0017921, MONDO:0009290, OMIM 232300.
Cardiovascular phenotype. Identifiers: MedGen CN230736.

Allele frequency attached by ClinVar (database versions not stated): gnomAD exomes below 0.00001 and 0.00002; TOPMed below 0.00001; gnomAD 0.00001.
gnomAD v4.1: 30 of 1,613,924 alleles (0.0019%); highest among the groups gnomAD compares: Admixed American, 0.0033%; no homozygotes.

Submissions (6):

Ambry Genetics
Classification: Uncertain significance for Cardiovascular phenotype. Last evaluated: 2025-12-01. Review status: criteria provided, single submitter. Criteria: Ambry Variant Classification Scheme 2023. Collection method: clinical testing. Allele origin: germline.
Comment: The p.S940L variant (also known as c.2819C>T), located in coding exon 19 of the GAA gene, results from a C to T substitution at nucleotide position 2819. The serine at codon 940 is replaced by leucine, an amino acid with dissimilar properties. This amino acid position is conserved. In addition, the in silico prediction for this alteration is inconclusive. Since supporting evidence is limited at this time, the clinical significance of this alteration remains unclear.

GeneDx
Classification: Uncertain significance. Last evaluated: 2024-10-10. Review status: criteria provided, single submitter. Criteria: GeneDx Variant Classification Process June 2021. Collection method: clinical testing. Allele origin: germline. Affected: yes.
Comment: Has not been previously published as pathogenic or benign to our knowledge; In silico analysis indicates that this missense variant does not alter protein structure/function; Not observed at significant frequency in large population cohorts (gnomAD); This variant is associated with the following publications: (PMID: 19343043, 22253258)

Labcorp Genetics (formerly Invitae), Labcorp
Classification: Uncertain significance for Glycogen storage disease, type II. Last evaluated: 2021-12-29. Review status: criteria provided, single submitter. Criteria: Invitae Variant Classification Sherloc (09022015). Collection method: clinical testing. Allele origin: germline.
Comment: This sequence change replaces serine, which is neutral and polar, with leucine, which is neutral and non-polar, at codon 940 of the GAA protein (p.Ser940Leu). This variant is present in population databases (no rsID available, gnomAD 0.004%). This variant has not been reported in the literature in individuals affected with GAA-related conditions. ClinVar contains an entry for this variant (Variation ID: 849982). Advanced modeling of protein sequence and biophysical properties (such as structural, functional, and spatial information, amino acid conservation, physicochemical variation, residue mobility, and thermodynamic stability) performed at Invitae indicates that this missense variant is not expected to disrupt GAA protein function. In summary, the available evidence is currently insufficient to determine the role of this variant in disease. Therefore, it has been classified as a Variant of Uncertain Significance.

Fulgent Genetics
Classification: Uncertain significance for Glycogen storage disease, type II. Last evaluated: 2021-09-16. Review status: criteria provided, single submitter. Criteria: ACMG Guidelines, 2015. Collection method: clinical testing. Allele origin: unknown.

Revvity Omics, Revvity
Classification: Uncertain significance. Last evaluated: 2019-04-24. Review status: criteria provided, single submitter. Criteria: ACMG Guidelines, 2015. Collection method: clinical testing. Allele origin: germline.

Natera, Inc.
Classification: Uncertain significance for Glycogen storage disease type II. Last evaluated: 2020-09-16. Review status: no assertion criteria provided. Collection method: clinical testing. Allele origin: germline. Not counted in ClinVar's aggregate classification.

NM_000152.5(GAA):c.2819C>T (p.Ser940Leu)

Gene: GAA (alpha glucosidase; plus strand). Cytogenetic location: 17q25.3.
Variant type: single nucleotide variant.
Coding change: c.2819C>T on transcript NM_000152.5 (MANE Select); coding-DNA position 2819, C replaced by T.
Protein change: p.Ser940Leu; replaces serine 940 with leucine.
Molecular consequence: missense variant.
Genome position (GRCh38, 1-based): chr17:80,119,291, C>T. VCF-style: chr17-80119291-C-T. GRCh37 (hg19) VCF-style: chr17-78093090-C-T.
Other names: c.2819C>T, p.Ser940Leu (NM_001079803.3, NM_001079804.3); c.2819C>T (NM_001079803.2); short protein forms S940L.
Identifiers: ClinVar variation 849982 (VCV000849982.12), dbSNP rs1343332597, ClinGen allele CA401327760.